The following is an entry in ClinVar:

ClinVar aggregate classification (germline): Uncertain significance (1 of 4 stars; one submission).

Conditions:
Cardiovascular phenotype. Identifiers: MedGen CN230736.

Submission:

Ambry Genetics
Classification: Uncertain significance for Cardiovascular phenotype. Last evaluated: 2024-06-21. Review status: criteria provided, single submitter. Criteria: Ambry Variant Classification Scheme 2023. Collection method: clinical testing. Allele origin: germline.
Comment: The p.S403F variant (also known as c.1208C>T), located in coding exon 2 of the KCNJ8 gene, results from a C to T substitution at nucleotide position 1208. The serine at codon 403 is replaced by phenylalanine, an amino acid with highly dissimilar properties. This amino acid position is conserved. In addition, the in silico prediction for this alteration is inconclusive. Based on the available evidence, the clinical significance of this variant remains unclear.

NM_004982.4(KCNJ8):c.1208C>T (p.Ser403Phe)

Genes: KCNJ8 (potassium inwardly rectifying channel subfamily J member 8; minus strand), KCNJ8-AS1 (KCNJ8 antisense RNA 1; plus strand). Cytogenetic location: 12p12.1.
Variant type: single nucleotide variant.
Coding change: c.1208C>T on transcript NM_004982.4 (MANE Select); coding-DNA position 1208, C replaced by T.
Protein change: p.Ser403Phe; replaces serine 403 with phenylalanine.
Molecular consequence: missense variant.
Genome position (GRCh38, 1-based): chr12:21,765,790, G>A on the plus strand (C>T on the coding strand, the complement: KCNJ8 is on the minus strand). VCF-style: chr12-21765790-G-A. GRCh37 (hg19) VCF-style: chr12-21918724-G-A.
Other names: short protein forms S403F.
Identifiers: ClinVar variation 3287659 (VCV003287659.1).